The following is an entry in ClinVar:

ClinVar aggregate classification (germline): Likely benign. Review status: criteria provided, multiple submitters, no conflicts (2 of 4 stars). 4 submissions from 4 submitters: Likely benign (3). 1 of the submissions does not count toward it. Last evaluated 2025-12-19.

Conditions:
POLR1A-related disorder. Also called: POLR1A-related condition.

Allele frequency attached by ClinVar (database versions not stated): ExAC 0.00019; gnomAD exomes 0.00020 and 0.00008; ESP Exome Variant Server 0.00049; 1000 Genomes Project 30x 0.00062; 1000 Genomes Project 0.00080; gnomAD 0.00086 and 0.00094; TOPMed 0.00092.
gnomAD v4.1: 248 of 1,614,232 alleles (0.015%); highest among the groups gnomAD compares: African/African-American, 0.31%; no homozygotes.

Submissions (4):

Labcorp Genetics (formerly Invitae), Labcorp
Classification: Likely benign. Last evaluated: 2025-12-19. Review status: criteria provided, single submitter. Criteria: Invitae Variant Classification Sherloc (09022015). Collection method: clinical testing. Allele origin: germline.

Blueprint Genetics
Classification: Likely benign. Last evaluated: 2024-06-19. Review status: criteria provided, single submitter. Criteria: ACMG Guidelines, 2015. Collection method: clinical testing. Allele origin: germline.

Breakthrough Genomics
Classification: Likely benign. Review status: criteria provided, single submitter. Criteria: ACMG Guidelines, 2015. Collection method: not provided. Allele origin: germline. Inheritance: Autosomal dominant inheritance. Affected: yes.

PreventionGenetics, part of Exact Sciences
Classification: Likely benign for POLR1A-related condition. Last evaluated: 2019-10-28. Review status: no assertion criteria provided. Collection method: clinical testing. Allele origin: germline. Not counted in ClinVar's aggregate classification.
Comment: This variant is classified as likely benign based on ACMG/AMP sequence variant interpretation guidelines (Richards et al. 2015 PMID: 25741868, with internal and published modifications).

NM_015425.6(POLR1A):c.4989G>A (p.Arg1663=)

Gene: POLR1A (RNA polymerase I subunit A; minus strand). Cytogenetic location: 2p11.2.
Variant type: single nucleotide variant.
Coding change: c.4989G>A on transcript NM_015425.6 (MANE Select); coding-DNA position 4989, G replaced by A.
Protein change: p.Arg1663=; no amino-acid change (arginine 1663 retained).
Molecular consequence: synonymous variant.
Genome position (GRCh38, 1-based): chr2:86,027,958, C>T on the plus strand (G>A on the coding strand, the complement: POLR1A is on the minus strand). VCF-style: chr2-86027958-C-T. GRCh37 (hg19) VCF-style: chr2-86255081-C-T.
Identifiers: ClinVar variation 785970 (VCV000785970.14), dbSNP rs147245488, ClinGen allele CA1745303.